The following is an entry in ClinVar:

NM_007078.3(LDB3):c.1664A>G (p.Asn555Ser)

Gene: LDB3 (LIM domain binding 3; plus strand). Cytogenetic location: 10q23.2.
Variant type: single nucleotide variant.
Coding change: c.1664A>G on transcript NM_007078.3 (MANE Select); coding-DNA position 1664, A replaced by G.
Protein change: p.Asn555Ser; replaces asparagine 555 with serine.
Molecular consequence: missense variant.
Genome position (GRCh38, 1-based): chr10:86,716,759, A>G. VCF-style: chr10-86716759-A-G. GRCh37 (hg19) VCF-style: chr10-88476516-A-G.
Other names: c.1334A>G, p.Asn445Ser (NM_001080114.2); c.1664A>G (LRG_385t1); c.1679A>G, p.Asn560Ser (NM_001171610.2); c.1475A>G, p.Asn492Ser (NM_001368064.1, NM_001368065.1); c.1523A>G, p.Asn508Ser (NM_001368066.1); short protein forms N445S, N492S, N508S, N560S, N555S.
Identifiers: ClinVar variation 650424 (VCV000650424.11), dbSNP rs760635362, ClinGen allele CA211208224.

ClinVar aggregate classification (germline): Uncertain significance. Review status: criteria provided, multiple submitters, no conflicts (2 of 4 stars). 2 submissions from 2 submitters: Uncertain significance (2). Last evaluated 2023-07-17.

Conditions:
Cardiovascular phenotype. Identifiers: MedGen CN230736.
Myofibrillar myopathy 4. Also called: Zaspopathy (type). Identifiers: Orphanet 98912, MedGen C4721886, MONDO:0012277, OMIM 609452.

Allele frequency attached by ClinVar (database versions not stated): gnomAD exomes below 0.00001 and 0.00001; TOPMed below 0.00001; gnomAD 0.00001.
gnomAD v4.1: 21 of 1,610,094 alleles (0.0013%); highest among the groups gnomAD compares: Non-Finnish European, 0.0018%; no homozygotes.

Submissions (2):

Ambry Genetics
Classification: Uncertain significance for Cardiovascular phenotype. Last evaluated: 2023-07-17. Review status: criteria provided, single submitter. Criteria: Ambry Variant Classification Scheme 2023. Collection method: clinical testing. Allele origin: germline.
Comment: The p.N555S variant (also known as c.1664A>G), located in coding exon 9 of the LDB3 gene, results from an A to G substitution at nucleotide position 1664. The asparagine at codon 555 is replaced by serine, an amino acid with highly similar properties. This variant co-occurred with a TTN A-band truncating variant in an individual reported to have dilated cardiomyopathy (Horvat C et al. Genet Med, 2019 Jan;21:133-143). This amino acid position is highly conserved in available vertebrate species. In addition, this alteration is predicted to be tolerated by in silico analysis. Since supporting evidence is limited at this time, the clinical significance of this alteration remains unclear.

Labcorp Genetics (formerly Invitae), Labcorp
Classification: Uncertain significance for Myofibrillar myopathy 4. Last evaluated: 2021-08-16. Review status: criteria provided, single submitter. Criteria: Invitae Variant Classification Sherloc (09022015). Collection method: clinical testing. Allele origin: germline.
Comment: In summary, the available evidence is currently insufficient to determine the role of this variant in disease. Therefore, it has been classified as a Variant of Uncertain Significance. Algorithms developed to predict the effect of sequence changes on RNA splicing suggest that this variant may create or strengthen a splice site. This variant has not been reported in the literature in individuals affected with LDB3-related conditions. This variant is not present in population databases (ExAC no frequency). This sequence change replaces asparagine with serine at codon 555 of the LDB3 protein (p.Asn555Ser). The LDB3 gene has multiple clinically relevant transcripts. This variant occurs in alternate transcript NM_007078.3, and corresponds to NM_001080116.1:c.*17385 in the primary transcript.

Literature cited by the submitters: PubMed 29892087 (cited by Ambry Genetics); PubMed 31983221 (cited by Ambry Genetics).